The following is an entry in ClinVar:

NM_001035.3(RYR2):c.8395G>A (p.Ala2799Thr)

Gene: RYR2 (ryanodine receptor 2; plus strand). Cytogenetic location: 1q43.
Variant type: single nucleotide variant.
Coding change: c.8395G>A on transcript NM_001035.3 (MANE Select); coding-DNA position 8395, G replaced by A.
Protein change: p.Ala2799Thr; replaces alanine 2799 with threonine.
Molecular consequence: missense variant.
Genome position (GRCh38, 1-based): chr1:237,660,906, G>A. VCF-style: chr1-237660906-G-A. GRCh37 (hg19) VCF-style: chr1-237824206-G-A.
Other names: short protein forms A2799T.
Identifiers: ClinVar variation 3385794 (VCV003385794.1).
Genomic context (GRCh38, chr1:237,660,906, plus strand): 5'-TTAAAAACTATGCTGGCTTGGGGCTGGAGAATTGAAAGAACTCGGGAGGGAGACAGCATG[G>A]CCCTTTACAACCGGACTCGTCGTATTTCTCAGACAAGCCAGGTAAGAATTCATCACGGTG-3'
Protein context (NP_001026.2, residues 2789-2809): IERTREGDSM[Ala2799Thr]LYNRTRRISQ

ClinVar aggregate classification (germline): Uncertain significance (1 of 4 stars; one submission).

Conditions:
Catecholaminergic polymorphic ventricular tachycardia (CVPT). Also called: Catecholamine-induced polymorphic ventricular tachycardia. Identifiers: Orphanet 3286, MedGen C5574922, MONDO:0017990.

Submission:

All of Us Research Program, National Institutes of Health
Classification: Uncertain significance for Catecholaminergic polymorphic ventricular tachycardia. Last evaluated: 2024-04-16. Review status: criteria provided, single submitter. Criteria: ACMG Guidelines, 2015. Collection method: clinical testing. Allele origin: germline. Inheritance: Autosomal dominant inheritance. Observed: 1 variant allele, 1 heterozygote.
Comment: This missense variant replaces alanine with threonine at codon 2799 of the RYR2 protein. Computational prediction suggests that this variant may not impact protein structure and function (internally defined REVEL score threshold <= 0.5, PMID: 27666373). To our knowledge, functional studies have not been reported for this variant. This variant has not been reported in individuals affected with RYR2-related disorders in the literature. This variant has not been identified in the general population by the Genome Aggregation Database (gnomAD). The available evidence is insufficient to determine the role of this variant in disease conclusively. Therefore, this variant is classified as a Variant of Uncertain Significance.

This study involves interpretation of variants in research participants for the purpose of population health screening. Participant phenotype was not available at the time of variant classification. Additional details can be found in publication PMID: 35346344, PMCID: PMC8962531